The following is an entry in ClinVar:

NM_018122.5(DARS2):c.228-21_228-20insC

Gene: DARS2 (aspartyl-tRNA synthetase 2, mitochondrial; plus strand). Cytogenetic location: 1q25.1.
Variant type: Insertion.
Coding change: c.228-21_228-20insC on transcript NM_018122.5 (MANE Select); 21 bases into the intron before coding-DNA position 228 through 20 bases into the intron before coding-DNA position 228, C inserted.
Molecular consequence: intron variant.
Genome position: GRCh38 VCF-style: chr1-173828312-T-TC. GRCh37 (hg19) VCF-style: chr1-173797450-T-TC.
Other names: c.228-21_228-20insC (NM_001365212.1, NM_001365213.2).
Identifiers: ClinVar variation 559195 (VCV000559195.46), dbSNP rs367543010, ClinGen allele CA1250049.
Genomic context (GRCh38, chr1:173,828,312, plus strand): 5'-TGCTTTTTATTTTGTATGCTTCAACTTTGGACTTAGAGATTTTATCTTAAAATGTTTCTT[T>TC]TCCCCCCCCCCATTAATCAGGCAAAACACATTCTTGGTCCTAAGAGATTTCGATGGGCTT-3'

ClinVar aggregate classification (germline): Benign/Likely benign. Review status: criteria provided, multiple submitters, no conflicts (2 of 4 stars). 5 submissions from 5 submitters: Benign (1); Likely benign (3). 1 of the submissions does not count toward it. Last evaluated 2026-01-08.

Conditions:
Leukoencephalopathy with brain stem and spinal cord involvement-high lactate syndrome (LBSL). Also called: MITOCHONDRIAL ASPARTYL-tRNA SYNTHETASE DEFICIENCY; Leukoencephalopathy with Brainstem and Spinal Cord Involvement and Lactate Elevation; LEUKOENCEPHALOPATHY WITH BRAINSTEM AND SPINAL CORD INVOLVEMENT AND LACTATE ELEVATION, MILD. Identifiers: Orphanet 137898, MedGen C1970180, MONDO:0012622, OMIM 611105.

Allele frequency attached by ClinVar (database versions not stated): 1000 Genomes Project 0.00100; gnomAD 0.00491.

Submissions (5):

Labcorp Genetics (formerly Invitae), Labcorp
Classification: Likely benign. Last evaluated: 2026-01-08. Review status: criteria provided, single submitter. Criteria: Invitae Variant Classification Sherloc (09022015). Collection method: clinical testing. Allele origin: germline.

Genome-Nilou Lab
Classification: Likely benign for Leukoencephalopathy with brain stem and spinal cord involvement-high lactate syndrome. Last evaluated: 2023-04-11. Review status: criteria provided, single submitter. Criteria: ACMG Guidelines, 2015. Collection method: clinical testing. Allele origin: germline. Affected: no.

CeGaT Center for Human Genetics Tuebingen
Classification: Benign. Last evaluated: 2022-10-01. Review status: criteria provided, single submitter. Criteria: CeGaT Center For Human Genetics Tuebingen Variant Classification Criteria Version 2. Collection method: clinical testing. Allele origin: germline. Affected: yes. Observed: 3 variant alleles.
Comment: DARS2: BS1, BS2

GeneDx
Classification: Likely benign. Last evaluated: 2018-07-10. Review status: criteria provided, single submitter. Criteria: GeneDx Variant Classification Process June 2021. Collection method: clinical testing. Allele origin: germline. Affected: yes.
Comment: This variant is associated with the following publications: (PMID: 31664448)

Mayo Clinic Laboratories, Mayo Clinic
Classification: Likely benign. Last evaluated: 2016-02-15. Review status: no assertion criteria provided. Collection method: clinical testing. Allele origin: unknown. Not counted in ClinVar's aggregate classification.